The following is an entry in ClinVar:

NM_000181.4(GUSB):c.1149C>A (p.Thr383=)

Gene: GUSB (glucuronidase beta; minus strand). Cytogenetic location: 7q11.21.
Variant type: single nucleotide variant.
Coding change: c.1149C>A on transcript NM_000181.4 (MANE Select); coding-DNA position 1149, C replaced by A.
Protein change: p.Thr383=; no amino-acid change (threonine 383 retained).
Molecular consequence: synonymous variant. On other transcripts: non-coding transcript variant (1).
Genome position (GRCh38, 1-based): chr7:65,974,621, G>T on the plus strand (C>A on the coding strand, the complement: GUSB is on the minus strand). VCF-style: chr7-65974621-G-T. GRCh37 (hg19) VCF-style: chr7-65439608-G-T.
Other names: c.711C>A, p.Thr237= (NM_001284290.2); c.579C>A, p.Thr193= (NM_001293104.2); c.492C>A, p.Thr164= (NM_001293105.2).
Identifiers: ClinVar variation 3067478 (VCV003067478.23), dbSNP rs1250793520, ClinGen allele CA455679857.

ClinVar aggregate classification (germline): Likely benign. Review status: criteria provided, multiple submitters, no conflicts (2 of 4 stars). 2 submissions from 2 submitters: Likely benign (2). Last evaluated 2024-11-11.

Conditions:
Mucopolysaccharidosis type 7 (MPS7). Also called: BETA-GLUCURONIDASE DEFICIENCY; GUSB DEFICIENCY; SLY SYNDROME; MPS VII. Identifiers: Orphanet 584, MedGen C0085132, MONDO:0009662, OMIM 253220.

gnomAD v4.1: 2 of 1,614,028 alleles (0.00012%); highest among the groups gnomAD compares: Non-Finnish European, 0.00017%; no homozygotes.

Submissions (2):

Labcorp Genetics (formerly Invitae), Labcorp
Classification: Likely benign for Mucopolysaccharidosis type 7. Last evaluated: 2024-11-11. Review status: criteria provided, single submitter. Criteria: Invitae Variant Classification Sherloc (09022015). Collection method: clinical testing. Allele origin: germline.

CeGaT Center for Human Genetics Tuebingen
Classification: Likely benign. Last evaluated: 2024-03-01. Review status: criteria provided, single submitter. Criteria: CeGaT Center For Human Genetics Tuebingen Variant Classification Criteria Version 2. Collection method: clinical testing. Allele origin: germline. Affected: yes. Observed: 1 variant allele.
Comment: GUSB: PM2:Supporting, BP4, BP7